The following is an entry in ClinVar:

ClinVar aggregate classification (germline): Uncertain significance (1 of 4 stars; one submission).

Conditions:
Amelocerebrohypohidrotic syndrome (KTZS). Also called: EPILEPSY AND YELLOW TEETH; EPILEPSY, DEMENTIA, AND AMELOGENESIS IMPERFECTA; KOHLSCHUTTER SYNDROME; Kohlschutter's syndrome. Identifiers: Orphanet 1946, MedGen C0406740, MONDO:0009185, OMIM 226750.

Submission:

Labcorp Genetics (formerly Invitae), Labcorp
Classification: Uncertain significance for Amelocerebrohypohidrotic syndrome. Last evaluated: 2023-10-13. Review status: criteria provided, single submitter. Criteria: Invitae Variant Classification Sherloc (09022015). Collection method: clinical testing. Allele origin: germline.
Comment: This sequence change replaces glutamic acid, which is acidic and polar, with aspartic acid, which is acidic and polar, at codon 40 of the ROGDI protein (p.Glu40Asp). This variant is not present in population databases (gnomAD no frequency). This variant has not been reported in the literature in individuals affected with ROGDI-related conditions. ClinVar contains an entry for this variant (Variation ID: 1968298). An algorithm developed to predict the effect of missense changes on protein structure and function (PolyPhen-2) suggests that this variant is likely to be disruptive. In summary, the available evidence is currently insufficient to determine the role of this variant in disease. Therefore, it has been classified as a Variant of Uncertain Significance.

NM_024589.3(ROGDI):c.120G>C (p.Glu40Asp)

Gene: ROGDI (rogdi atypical leucine zipper; minus strand). Cytogenetic location: 16p13.3.
Variant type: single nucleotide variant.
Coding change: c.120G>C on transcript NM_024589.3 (MANE Select); coding-DNA position 120, G replaced by C.
Protein change: p.Glu40Asp; replaces glutamic acid 40 with aspartic acid.
Molecular consequence: missense variant. On other transcripts: non-coding transcript variant (1).
Genome position (GRCh38, 1-based): chr16:4,801,583, C>G on the plus strand (G>C on the coding strand, the complement: ROGDI is on the minus strand). VCF-style: chr16-4801583-C-G. GRCh37 (hg19) VCF-style: chr16-4851584-C-G.
Other names: short protein forms E40D.
Identifiers: ClinVar variation 1968298 (VCV001968298.5), dbSNP rs2505729440, ClinGen allele CA394655533.